The following is an entry in ClinVar:

NM_001242896.3(DEPDC5):c.364-9T>A

Gene: DEPDC5 (DEP domain containing 5, GATOR1 subcomplex subunit; plus strand). Cytogenetic location: 22q12.2.
Variant type: single nucleotide variant.
Coding change: c.364-9T>A on transcript NM_001242896.3 (MANE Select); 9 bases into the intron before coding-DNA position 364, T replaced by A.
Molecular consequence: intron variant.
Genome position (GRCh38, 1-based): chr22:31,768,805, T>A. VCF-style: chr22-31768805-T-A. GRCh37 (hg19) VCF-style: chr22-32164791-T-A.
Other names: c.364-9T>A (NM_001364318.2, NM_001136029.4, NM_014662.6 and 7 more transcripts); c.280-9T>A (NM_001369902.1, NM_001369901.1).
Identifiers: ClinVar variation 3046421 (VCV003046421.2), dbSNP rs2083055785, ClinGen allele CA1025116836.

ClinVar aggregate classification (germline): Likely benign (0 of 4 stars; one submission).

Conditions:
DEPDC5-related disorder. Also called: DEPDC5-related condition; DEPDC5-related related disorder.

Submission:

PreventionGenetics, part of Exact Sciences
Classification: Likely benign for DEPDC5-related condition. Last evaluated: 2019-04-26. Review status: no assertion criteria provided. Collection method: clinical testing. Allele origin: germline.
Comment: This variant is classified as likely benign based on ACMG/AMP sequence variant interpretation guidelines (Richards et al. 2015 PMID: 25741868, with internal and published modifications).